The following is an entry in ClinVar:

ClinVar aggregate classification (germline): Uncertain significance (1 of 4 stars; one submission).

Conditions:
Cardiovascular phenotype. Identifiers: MedGen CN230736.

Submission:

Ambry Genetics
Classification: Uncertain significance for Cardiovascular phenotype. Last evaluated: 2024-12-07. Review status: criteria provided, single submitter. Criteria: Ambry Variant Classification Scheme 2023. Collection method: clinical testing. Allele origin: germline.
Comment: The p.I158V variant (also known as c.472A>G), located in coding exon 1 of the MYPN gene, results from an A to G substitution at nucleotide position 472. The isoleucine at codon 158 is replaced by valine, an amino acid with highly similar properties. This amino acid position is conserved. In addition, this alteration is predicted to be tolerated by in silico analysis. Based on the available evidence, the clinical significance of this variant remains unclear.

NM_032578.4(MYPN):c.472A>G (p.Ile158Val)

Gene: MYPN (myopalladin; plus strand). Cytogenetic location: 10q21.3.
Variant type: single nucleotide variant.
Coding change: c.472A>G on transcript NM_032578.4 (MANE Select); coding-DNA position 472, A replaced by G.
Protein change: p.Ile158Val; replaces isoleucine 158 with valine.
Molecular consequence: missense variant. On other transcripts: 5 prime UTR variant (1), non-coding transcript variant (1).
Genome position (GRCh38, 1-based): chr10:68,121,910, A>G. VCF-style: chr10-68121910-A-G. GRCh37 (hg19) VCF-style: chr10-69881667-A-G.
Other names: c.472A>G, p.Ile158Val (NM_001256267.2); c.-651A>G (NM_001256268.2); short protein forms I158V.
Identifiers: ClinVar variation 3402126 (VCV003402126.1).
Genomic context (GRCh38, chr10:68,121,910, plus strand): 5'-CCACAGTATTGTTCTGAAACCCAGTCCAAAAAAGTATTTTTAAATAAGGCTGCCGACTTC[A>G]TTGAAGAGCTATCCTCCCTTTTCAAATCCCACAGCTCCAAAAGGATTAGACCTCGTGCCT-3'
Protein context (NP_115967.2, residues 148-168): KVFLNKAADF[Ile158Val]EELSSLFKSH